The following is an entry in ClinVar:

ClinVar aggregate classification (germline): Benign. Review status: criteria provided, multiple submitters, no conflicts (2 of 4 stars). 2 submissions from 2 submitters: Benign (2). Last evaluated 2018-01-13.

Conditions:
Nemaline myopathy 7 (NEM7). Also called: Nemaline myopathy 7, autosomal recessive. Identifiers: Orphanet 171436, MedGen C1853154, MONDO:0012538, OMIM 610687.

Allele frequency attached by ClinVar (database versions not stated): 1000 Genomes Project 0.34205; 1000 Genomes Project 30x 0.34260; ExAC 0.41304; gnomAD exomes 0.42662 and 0.46611; TOPMed 0.43365; gnomAD 0.45386 and 0.46053.
gnomAD v4.1: 209,634 of 453,330 alleles (46%); highest among the groups gnomAD compares: Non-Finnish European, 54%; 51,733 homozygotes.

Submissions (2):

Illumina Laboratory Services, Illumina
Classification: Benign for Nemaline myopathy 7. Last evaluated: 2018-01-13. Review status: criteria provided, single submitter. Criteria: ICSL Variant Classification Criteria 13 December 2019. Collection method: clinical testing. Allele origin: germline.
Comment: This variant was observed in the ICSL laboratory as part of a predisposition screen in an ostensibly healthy population. It had not been previously curated by ICSL or reported in the Human Gene Mutation Database (HGMD: prior to June 1st, 2018), and was therefore a candidate for classification through an automated scoring system. Utilizing variant allele frequency, disease prevalence and penetrance estimates, and inheritance mode, an automated score was calculated to assess if this variant is too frequent to cause the disease. Based on the score and internal cut-off values, a variant classified as benign is not then subjected to further curation. The score for this variant resulted in a classification of benign for this disease.

Breakthrough Genomics
Classification: Benign. Review status: criteria provided, single submitter. Criteria: ACMG Guidelines, 2015. Collection method: not provided. Allele origin: germline. Inheritance: Autosomal recessive inheritance. Affected: yes.

NM_138638.5(CFL2):c.*1682A>T

Gene: CFL2 (cofilin 2; minus strand). Cytogenetic location: 14q13.1.
Variant type: single nucleotide variant.
Coding change: c.*1682A>T on transcript NM_138638.5 (MANE Select); 1682 bases downstream of the stop codon, A replaced by T.
Molecular consequence: 3 prime UTR variant. On other transcripts: non-coding transcript variant (2).
Genome position (GRCh38, 1-based): chr14:34,711,183, T>A on the plus strand (A>T on the coding strand, the complement: CFL2 is on the minus strand). VCF-style: chr14-34711183-T-A. GRCh37 (hg19) VCF-style: chr14-35180389-T-A.
Other names: c.*1682A>T (NM_001243645.2, NM_021914.8).
Identifiers: ClinVar variation 313082 (VCV000313082.6), dbSNP rs712301, ClinGen allele CA7152159.
Genomic context (GRCh38, chr14:34,711,183, plus strand): 5'-TTTCAAAAATATGGAAAAAATCTAATTATACTAAAATTACTTCCACACATTCAAAAAAAA[T>A]TTTTAAGGGATATTTTCTTTCCTGTTTTCTGCTAAAAGCATTCCTCTGAGCTATGGGGTT-3'